The following is an entry in ClinVar:

NC_000005.9:g.(?_90368244)_(90368441_?)dup

Gene: ADGRV1 (adhesion G protein-coupled receptor V1; plus strand). Cytogenetic location: 5q14.3.
Variant type: Duplication.
Identifiers: ClinVar variation 3246555 (VCV003246555.1).

ClinVar aggregate classification (germline): Likely pathogenic (1 of 4 stars; one submission).

Submission:

Labcorp Genetics (formerly Invitae), Labcorp
Classification: Likely pathogenic. Last evaluated: 2023-09-05. Review status: criteria provided, single submitter. Criteria: Invitae Variant Classification Sherloc (09022015). Collection method: clinical testing. Allele origin: unknown.
Comment: This variant results in a copy number gain of the genomic region encompassing exon(s) 86 of the ADGRV1 gene. While the exact position of this variant cannot be determined from the data, sub-genic copy number gains are generally in tandem (PMID: 25640679). This variant is predicted to be out-of-frame, and may result in an absent or disrupted protein product. Loss-of-function variants in ADGRV1 are known to be pathogenic (PMID: 19357117, 22135276, 22147658, 26226137, 30718709, 31047384, 32467589). This variant has not been reported in the literature in individuals affected with ADGRV1-related conditions. In summary, the currently available evidence indicates that the variant is pathogenic, but additional data are needed to prove that conclusively. Therefore, this variant has been classified as Likely Pathogenic.

Literature cited by the submitters: PubMed 25640679; PubMed 19357117; PubMed 22135276; PubMed 22147658; PubMed 26226137; PubMed 30718709; PubMed 31047384; PubMed 32467589.